The following is an entry in ClinVar:

NM_001360016.2(G6PD):c.1229G>C (p.Gly410Ala)

Gene: G6PD (glucose-6-phosphate dehydrogenase; minus strand). Cytogenetic location: Xq28.
Variant type: single nucleotide variant.
Coding change: c.1229G>C on transcript NM_001360016.2 (MANE Select); coding-DNA position 1229, G replaced by C.
Protein change: p.Gly410Ala; replaces glycine 410 with alanine.
Molecular consequence: missense variant.
Genome position (GRCh38, 1-based): chrX:154,532,625, C>G on the plus strand (G>C on the coding strand, the complement: G6PD is on the minus strand). VCF-style: chrX-154532625-C-G. GRCh37 (hg19) VCF-style: chrX-153760840-C-G.
Other names: G6PD Kawasaki; c.1319G>C, p.Gly440Ala (NM_000402.4); c.1229G>C, p.Gly410Ala (NM_001042351.3); short protein forms G410A, G440A.
Identifiers: ClinVar variation 1722621 (VCV001722621.3), dbSNP rs137852336, ClinGen allele CA415233934.

ClinVar aggregate classification (germline): Likely pathogenic. Review status: criteria provided, multiple submitters, no conflicts (2 of 4 stars). 2 submissions from 2 submitters: Likely pathogenic (2). Last evaluated 2024-08-14.

Conditions:
Anemia, nonspherocytic hemolytic, due to G6PD deficiency (CNSHA1). Also called: ANEMIA, CONGENITAL, NONSPHEROCYTIC HEMOLYTIC, 1; Hemolytic anemia due to G6PD deficiency; Class I glucose-6-phosphate dehydrogenase deficiency; Favism, susceptibility to. Identifiers: Orphanet 466026, MedGen C2720289, MONDO:0010480, OMIM 300908.

Submissions (2):

Revvity Omics, Revvity
Classification: Likely pathogenic for Anemia, nonspherocytic hemolytic, due to G6PD deficiency. Last evaluated: 2024-08-14. Review status: criteria provided, single submitter. Criteria: ACMG Guidelines, 2015. Collection method: clinical testing. Allele origin: germline.

Dunham Lab, University of Washington
Classification: Likely pathogenic for Anemia, nonspherocytic hemolytic, due to G6PD deficiency. Last evaluated: 2022-08-12. Review status: criteria provided, single submitter. Criteria: Bayesian ACMG Guidelines, 2018. Collection method: curation. Allele origin: unknown.
Comment: Affects same amino acid as pathogenic 410G>D (ClinVar ID 10398) (PM5). Alters dimerization domain (PM1). Not found in gnomAD (PM2). Post_P 0.900 (odds of pathogenicity 81.2, Prior_P 0.1).

Literature cited by the submitters: PubMed 9410474 (cited by Dunham Lab, University of Washington).